The following is an entry in ClinVar:

NM_000038.6(APC):c.4570A>G (p.Ile1524Val)

Gene: APC (APC regulator of Wnt signaling pathway; plus strand). Cytogenetic location: 5q22.2.
Variant type: single nucleotide variant.
Coding change: c.4570A>G on transcript NM_000038.6 (MANE Select); coding-DNA position 4570, A replaced by G.
Protein change: p.Ile1524Val; replaces isoleucine 1524 with valine.
Molecular consequence: missense variant.
Genome position (GRCh38, 1-based): chr5:112,840,164, A>G. VCF-style: chr5-112840164-A-G. GRCh37 (hg19) VCF-style: chr5-112175861-A-G.
Other names: c.4570A>G, p.Ile1524Val (NM_001127510.3, NM_001354895.2); c.4516A>G, p.Ile1506Val (NM_001127511.3); c.4624A>G, p.Ile1542Val (NM_001354896.2); c.4600A>G, p.Ile1534Val (NM_001354897.2); c.4495A>G, p.Ile1499Val (NM_001354898.2); c.4486A>G, p.Ile1496Val (NM_001354899.2); c.4447A>G, p.Ile1483Val (NM_001354900.2); c.4393A>G, p.Ile1465Val (NM_001354901.2); and 5 more; short protein forms I1524V, I1506V, I1364V, I1398V, I1465V, I1534V, I1433V, I1542V.
Identifiers: ClinVar variation 482319 (VCV000482319.15), dbSNP rs1554085974, ClinGen allele CA16031338.
Genomic context (GRCh38, chr5:112,840,164, plus strand): 5'-TCCAGCCTGAGTGCTCTGAGCCTCGATGAGCCATTTATACAGAAAGATGTGGAATTAAGA[A>G]TAATGCCTCCAGTTCAGGAAAATGACAATGGGAATGAAACAGAATCAGAGCAGCCTAAAG-3'
Protein context (NP_000029.2, residues 1514-1534): PFIQKDVELR[Ile1524Val]MPPVQENDNG

ClinVar aggregate classification (germline): Uncertain significance. Review status: criteria provided, multiple submitters, no conflicts (2 of 4 stars). 4 submissions from 4 submitters: Uncertain significance (4). Last evaluated 2024-09-18.

Conditions:
Hereditary cancer-predisposing syndrome. Also called: Neoplastic Syndromes, Hereditary; Tumor predisposition; Hereditary Cancer Syndrome; Hereditary neoplastic syndrome. Identifiers: Orphanet 140162, MedGen C0027672, MeSH D009386, MONDO:0015356.
Familial adenomatous polyposis 1 (FAP1). Also called: FAMILIAL ADENOMATOUS POLYPOSIS 1, ATTENUATED; POLYPOSIS, ADENOMATOUS INTESTINAL. Identifiers: MedGen C2713442, MONDO:0021056, OMIM 175100. Disease mechanism: loss of function.
Classic or attenuated familial adenomatous polyposis. Identifiers: MedGen CN372698, MONDO:0021057.

Allele frequency attached by ClinVar (database versions not stated): TOPMed below 0.00001.

Submissions (4):

Ambry Genetics
Classification: Uncertain significance for Hereditary cancer-predisposing syndrome. Last evaluated: 2024-09-18. Review status: criteria provided, single submitter. Criteria: Ambry Variant Classification Scheme 2023. Collection method: clinical testing. Allele origin: germline.
Comment: The p.I1524V variant (also known as c.4570A>G), located in coding exon 15 of the APC gene, results from an A to G substitution at nucleotide position 4570. The isoleucine at codon 1524 is replaced by valine, an amino acid with highly similar properties. This variant was not reported in population based cohorts in the following databases: Database of Single Nucleotide Polymorphisms (dbSNP), NHLBI Exome Sequencing Project (ESP), and 1000 Genomes Project. In the ESP, this variant was not observed in 6502 samples (13004 alleles) with coverage at this position. To date, this alteration has been detected with an allele frequency of approximately 0.001% (greater than 90000 alleles tested) in our clinical cohort. This amino acid position is highly conserved in available vertebrate species. In addition, in silico predictors for this gene do not accurately predict pathogenicity. Since supporting evidence is limited at this time, the clinical significance of this alteration remains unclear.

Labcorp Genetics (formerly Invitae), Labcorp
Classification: Uncertain significance for Familial adenomatous polyposis 1. Last evaluated: 2023-11-01. Review status: criteria provided, single submitter. Criteria: Invitae Variant Classification Sherloc (09022015). Collection method: clinical testing. Allele origin: germline.
Comment: This sequence change replaces isoleucine, which is neutral and non-polar, with valine, which is neutral and non-polar, at codon 1524 of the APC protein (p.Ile1524Val). This variant is not present in population databases (gnomAD no frequency). This missense change has been observed in individual(s) with APC-related conditions (PMID: 36243179). ClinVar contains an entry for this variant (Variation ID: 482319). Advanced modeling of protein sequence and biophysical properties (such as structural, functional, and spatial information, amino acid conservation, physicochemical variation, residue mobility, and thermodynamic stability) performed at Invitae indicates that this missense variant is not expected to disrupt APC protein function with a negative predictive value of 95%. In summary, the available evidence is currently insufficient to determine the role of this variant in disease. Therefore, it has been classified as a Variant of Uncertain Significance.

All of Us Research Program, National Institutes of Health
Classification: Uncertain significance for Classic or attenuated familial adenomatous polyposis. Last evaluated: 2023-08-08. Review status: criteria provided, single submitter. Criteria: ACMG Guidelines, 2015. Collection method: clinical testing. Allele origin: germline. Inheritance: Autosomal dominant inheritance. Observed: 1 variant allele, 1 heterozygote.
Comment: This missense variant replaces isoleucine with valine at codon 1524 of the APC protein. Computational prediction suggests that this variant may not impact protein structure and function (internally defined REVEL score threshold <= 0.5, PMID: 27666373). To our knowledge, functional studies have not been reported for this variant. This variant has not been reported in individuals affected with APC-related disorders in the literature. This variant has not been identified in the general population by the Genome Aggregation Database (gnomAD). The available evidence is insufficient to determine the role of this variant in disease conclusively. Therefore, this variant is classified as a Variant of Uncertain Significance.

This study involves interpretation of variants in research participants for the purpose of population health screening. Participant phenotype was not available at the time of variant classification. Additional details can be found in publication PMID: 35346344, PMCID: PMC8962531

GeneDx
Classification: Uncertain significance. Last evaluated: 2020-10-09. Review status: criteria provided, single submitter. Criteria: GeneDx Variant Classification Process June 2021. Collection method: clinical testing. Allele origin: germline. Affected: yes.
Comment: Not observed in large population cohorts (Lek et al., 2016); In silico analysis supports that this missense variant does not alter protein structure/function; Has not been previously published as pathogenic or benign to our knowledge

Literature cited by the submitters: PubMed 36243179 (cited by Labcorp Genetics (formerly Invitae), Labcorp).